The following is an entry in ClinVar:

ClinVar aggregate classification (germline): Benign. Review status: criteria provided, multiple submitters, no conflicts (2 of 4 stars). 3 submissions from 3 submitters: Benign (3). Last evaluated 2026-08-19.

Conditions:
HERC2-related disorder. Also called: HERC2-related condition.

Allele frequency attached by ClinVar (database versions not stated): gnomAD exomes 0.00161 and 0.00201; ExAC 0.00240; 1000 Genomes Project 0.00499; 1000 Genomes Project 30x 0.00578; gnomAD 0.00637 and 0.00687; TOPMed 0.00722; ESP Exome Variant Server 0.00754.
gnomAD v4.1: 3,330 of 1,613,746 alleles (0.21%); highest among the groups gnomAD compares: African/African-American, 2%; 20 homozygotes.

Submissions (3):

PreventionGenetics, part of Exact Sciences
Classification: Benign for HERC2-related condition. Last evaluated: 2026-08-19. Review status: criteria provided, single submitter. Criteria: ACMG Guidelines, 2015. Collection method: clinical testing. Allele origin: germline.
Comment: This variant is classified as benign based on ACMG/AMP sequence variant interpretation guidelines (Richards et al. 2015 PMID: 25741868, with internal and published modifications).

Labcorp Genetics (formerly Invitae), Labcorp
Classification: Benign. Last evaluated: 2019-12-31. Review status: criteria provided, single submitter. Criteria: Invitae Variant Classification Sherloc (09022015). Collection method: clinical testing. Allele origin: germline.

Breakthrough Genomics
Classification: Benign. Review status: criteria provided, single submitter. Criteria: ACMG Guidelines, 2015. Collection method: not provided. Allele origin: germline. Inheritance: Autosomal recessive inheritance. Affected: yes.

NM_004667.6(HERC2):c.2448C>T (p.Ser816=)

Gene: HERC2 (HECT and RLD domain containing E3 ubiquitin protein ligase 2; minus strand). Cytogenetic location: 15q13.1.
Variant type: single nucleotide variant.
Coding change: c.2448C>T on transcript NM_004667.6 (MANE Select); coding-DNA position 2448, C replaced by T.
Protein change: p.Ser816=; no amino-acid change (serine 816 retained).
Molecular consequence: synonymous variant.
Genome position (GRCh38, 1-based): chr15:28,257,130, G>A on the plus strand (C>T on the coding strand, the complement: HERC2 is on the minus strand). VCF-style: chr15-28257130-G-A. GRCh37 (hg19) VCF-style: chr15-28502276-G-A.
Identifiers: ClinVar variation 781289 (VCV000781289.6), dbSNP rs12903263, ClinGen allele CA7443209.